The following is an entry in ClinVar:

ClinVar aggregate classification (germline): Uncertain significance (1 of 4 stars; one submission).

Allele frequency attached by ClinVar (database versions not stated): gnomAD exomes below 0.00001 and 0.00005; ExAC 0.00008.
gnomAD v4.1: 7 of 1,556,616 alleles (0.00045%); highest among the groups gnomAD compares: East Asian, 0.012%; no homozygotes.

Submission:

Labcorp Genetics (formerly Invitae), Labcorp
Classification: Uncertain significance. Last evaluated: 2021-05-18. Review status: criteria provided, single submitter. Criteria: Invitae Variant Classification Sherloc (09022015). Collection method: clinical testing. Allele origin: germline.
Comment: This variant has not been reported in the literature in individuals with VAC14-related conditions. Algorithms developed to predict the effect of missense changes on protein structure and function output the following: SIFT: "Tolerated"; PolyPhen-2: "Benign"; Align-GVGD: "Class C0". The isoleucine amino acid residue is found in multiple mammalian species, suggesting that this missense change does not adversely affect protein function. These predictions have not been confirmed by published functional studies and their clinical significance is uncertain. In summary, the available evidence is currently insufficient to determine the role of this variant in disease. Therefore, it has been classified as a Variant of Uncertain Significance. This variant is present in population databases (rs773466199, ExAC 0.1%). This sequence change replaces valine with isoleucine at codon 780 of the VAC14 protein (p.Val780Ile). The valine residue is moderately conserved and there is a small physicochemical difference between valine and isoleucine.

NM_018052.5(VAC14):c.2338G>A (p.Val780Ile)

Gene: VAC14 (VAC14 component of PIKFYVE complex; minus strand). Cytogenetic location: 16q22.1.
Variant type: single nucleotide variant.
Coding change: c.2338G>A on transcript NM_018052.5 (MANE Select); coding-DNA position 2338, G replaced by A.
Protein change: p.Val780Ile; replaces valine 780 with isoleucine.
Molecular consequence: missense variant.
Genome position (GRCh38, 1-based): chr16:70,687,939, C>T on the plus strand (G>A on the coding strand, the complement: VAC14 is on the minus strand). VCF-style: chr16-70687939-C-T. GRCh37 (hg19) VCF-style: chr16-70721842-C-T.
Other names: c.1636G>A, p.Val546Ile (NM_001351157.2); short protein forms V546I, V780I.
Identifiers: ClinVar variation 1444274 (VCV001444274.7), dbSNP rs773466199, ClinGen allele CA8147314.
Genomic context (GRCh38, chr16:70,687,939, plus strand): 5'-TTAGTGTTTCATGGGACCACTCGGTGGGCCCTCCTCCGTGCCAGGCCTGTCAGAGGACAA[C>T]CCTCCGGTCCAGGTGGTCCCCACGCCCGCTCCGCTGGTGCCGCACTTCCAGGTGCTTGTT-3'
Protein context (NP_060522.3, residues 770-782): SGRGDHLDRR[Val780Ile]VL